The following is an entry in ClinVar:

NM_005458.8(GABBR2):c.630+6C>T

Gene: GABBR2 (gamma-aminobutyric acid type B receptor subunit 2; minus strand). Cytogenetic location: 9q22.33.
Variant type: single nucleotide variant.
Coding change: c.630+6C>T on transcript NM_005458.8 (MANE Select); 6 bases into the intron after coding-DNA position 630, C replaced by T.
Molecular consequence: intron variant.
Genome position (GRCh38, 1-based): chr9:98,541,867, G>A on the plus strand (C>T on the coding strand, the complement: GABBR2 is on the minus strand). VCF-style: chr9-98541867-G-A. GRCh37 (hg19) VCF-style: chr9-101304149-G-A.
Identifiers: ClinVar variation 1480785 (VCV001480785.6), dbSNP rs1166001117, ClinGen allele CA589584934.
Genomic context (GRCh38, chr9:98,541,867, plus strand): 5'-ATTGCCTTTTGCTAGATGACAGCAGCAAGCAGTAAGGCAGGCCGTGTCCACACAAGCCGA[G>A]CGTACCTCAGAGAACCTCTGAACGTCTTGCGTCAGCGTGCCCACGCGCTTCCACTGGTAG-3'

ClinVar aggregate classification (germline): Uncertain significance (1 of 4 stars; one submission).

Conditions:
Epileptic encephalopathy. Identifiers: MedGen C0543888, HP:0200134.

Allele frequency attached by ClinVar (database versions not stated): gnomAD 0.00001; gnomAD exomes below 0.00001; TOPMed 0.00001.
gnomAD v4.1: 2 of 1,613,664 alleles (0.00012%); highest among the groups gnomAD compares: Admixed American, 0.0033%; no homozygotes.

Submission:

Labcorp Genetics (formerly Invitae), Labcorp
Classification: Uncertain significance for Epileptic encephalopathy. Last evaluated: 2025-11-10. Review status: criteria provided, single submitter. Criteria: Invitae Variant Classification Sherloc (09022015). Collection method: clinical testing. Allele origin: germline.
Comment: This sequence change falls in intron 3 of the GABBR2 gene. It does not directly change the encoded amino acid sequence of the GABBR2 protein. It affects a nucleotide within the consensus splice site. This variant is present in population databases (no rsID available, gnomAD 0.003%). This variant has not been reported in the literature in individuals affected with GABBR2-related conditions. ClinVar contains an entry for this variant (Variation ID: 1480785). Variants that disrupt the consensus splice site are a relatively common cause of aberrant splicing (PMID: 17576681, 9536098). Algorithms developed to predict the effect of sequence changes on RNA splicing suggest that this variant is not likely to affect RNA splicing. In summary, the available evidence is currently insufficient to determine the role of this variant in disease. Therefore, it has been classified as a Variant of Uncertain Significance.

Literature cited by the submitters: PubMed 17576681; PubMed 9536098.